The following is an entry in ClinVar:

NM_031885.5(BBS2):c.1878C>T (p.Val626=)

Gene: BBS2 (Bardet-Biedl syndrome 2; minus strand). Cytogenetic location: 16q13.
Variant type: single nucleotide variant.
Coding change: c.1878C>T on transcript NM_031885.5 (MANE Select); coding-DNA position 1878, C replaced by T.
Protein change: p.Val626=; no amino-acid change (valine 626 retained).
Molecular consequence: synonymous variant. On other transcripts: non-coding transcript variant (5).
Genome position (GRCh38, 1-based): chr16:56,496,999, G>A on the plus strand (C>T on the coding strand, the complement: BBS2 is on the minus strand). VCF-style: chr16-56496999-G-A. GRCh37 (hg19) VCF-style: chr16-56530911-G-A.
Other names: c.1878C>T, p.Val626= (NM_001377456.1); c.1878C>T (NM_031885.3).
Identifiers: ClinVar variation 1131757 (VCV001131757.12), dbSNP rs555264290, ClinGen allele CA8065602.

ClinVar aggregate classification (germline): Likely benign. Review status: criteria provided, multiple submitters, no conflicts (2 of 4 stars). 3 submissions from 3 submitters: Likely benign (2). 1 of the submissions does not count toward it. Last evaluated 2025-04-15.

Conditions:
BBS2-related disorder. Also called: BBS2-related condition; BBS2-related disorders. Identifiers: MedGen CN239228.
Bardet-Biedl syndrome (BBS). Identifiers: Orphanet 110, MedGen C0752166, MONDO:0015229.

Allele frequency attached by ClinVar (database versions not stated): gnomAD exomes 0.00001 and 0.00002; ExAC 0.00002; TOPMed 0.00002; gnomAD 0.00003.
gnomAD v4.1: 27 of 1,613,932 alleles (0.0017%); highest among the groups gnomAD compares: Non-Finnish European, 0.0019%; no homozygotes.

Submissions (3):

Labcorp Genetics (formerly Invitae), Labcorp
Classification: Likely benign for Bardet-Biedl syndrome. Last evaluated: 2025-04-15. Review status: criteria provided, single submitter. Criteria: Invitae Variant Classification Sherloc (09022015). Collection method: clinical testing. Allele origin: germline.

Blueprint Genetics
Classification: Likely benign. Last evaluated: 2023-05-25. Review status: criteria provided, single submitter. Criteria: ACMG Guidelines, 2015. Collection method: clinical testing. Allele origin: germline.

PreventionGenetics, part of Exact Sciences
Classification: Likely benign for BBS2-related condition. Last evaluated: 2021-08-31. Review status: no assertion criteria provided. Collection method: clinical testing. Allele origin: germline. Not counted in ClinVar's aggregate classification.
Comment: This variant is classified as likely benign based on ACMG/AMP sequence variant interpretation guidelines (Richards et al. 2015 PMID: 25741868, with internal and published modifications).